The following is an entry in ClinVar:

ClinVar aggregate classification (germline): Pathogenic (1 of 4 stars; one submission).

Conditions:
NF1-related disorder. Also called: NF1-related condition. Identifiers: MedGen CN379171.

Submission:

PreventionGenetics, part of Exact Sciences
Classification: Pathogenic for NF1-related condition. Last evaluated: 2026-04-22. Review status: criteria provided, single submitter. Criteria: ACMG Guidelines, 2015. Collection method: clinical testing. Allele origin: germline.
Comment: The NF1 c.6041dupT variant is predicted to result in a frameshift and premature protein termination (p.Ile2015Hisfs*15). To our knowledge, this variant has not been reported in the literature or in a large population database (gnomAD), indicating this variant is rare. Frameshift variants in NF1 are expected to be pathogenic. This variant is interpreted as pathogenic.

NM_001042492.3(NF1):c.6041dup (p.Ile2015fs)

Gene: NF1 (neurofibromin 1; plus strand). Cytogenetic location: 17q11.2.
Variant type: Duplication.
Coding change: c.6041dup on transcript NM_001042492.3 (MANE Select); coding-DNA position 6041, one base duplicated (T; older notation c.6041dupT).
Protein change: p.Ile2015fs; shifts the reading frame from isoleucine 2015.
Molecular consequence: frameshift variant.
Genome position (GRCh38, 1-based): chr17:31,336,367, T duplicated; the last of 3 consecutive T bases (chr17:31,336,365-31,336,367); duplicating any one gives the same sequence. VCF-style (leftmost placement, unchanged base first): chr17-31336364-G-GT. GRCh37 (hg19) VCF-style: chr17-29663382-G-GT.
Other names: c.6041dupT (NM_001042492.2); c.5978dup, p.Ile1994fs (NM_000267.4); short protein forms I1994fs, I2015fs.
Identifiers: ClinVar variation 5000070 (VCV005000070.1).